The following is an entry in ClinVar:

NM_000203.5(IDUA):c.1728-1G>A

Gene: IDUA (alpha-L-iduronidase; plus strand). Cytogenetic location: 4p16.3.
Variant type: single nucleotide variant.
Coding change: c.1728-1G>A on transcript NM_000203.5 (MANE Select); the canonical splice acceptor site of the intron before coding-DNA position 1728, G replaced by A.
Molecular consequence: splice acceptor variant.
Genome position (GRCh38, 1-based): chr4:1,004,011, G>A. VCF-style: chr4-1004011-G-A. GRCh37 (hg19) VCF-style: chr4-997799-G-A.
Other names: c.1332-1G>A (NM_001363576.1).
Identifiers: ClinVar variation 641594 (VCV000641594.8), dbSNP rs1249951282, ClinGen allele CA355965305.

ClinVar aggregate classification (germline): Pathogenic. Review status: criteria provided, multiple submitters, no conflicts (2 of 4 stars). 2 submissions from 2 submitters: Pathogenic (2). Last evaluated 2026-01-02.

Conditions:
Hurler syndrome. Also called: MUCOPOLYSACCHARIDOSIS TYPE IH; Severe MPS I (Hurler Syndrome); Gargoylism, Hurler Syndrome. Identifiers: Orphanet 93473, MedGen C0086795, MONDO:0011758, OMIM 607014.
Mucopolysaccharidosis type 1. Also called: IDUA deficiency; MPS I; Mucopolysaccharidosis Type I. Identifiers: Orphanet 579, MedGen C0023786, MONDO:0001586.

Submissions (2):

Foundation for Research in Genetics and Endocrinology, FRIGE's Institute of Human Genetics
Classification: Pathogenic for Hurler syndrome. Last evaluated: 2026-01-02. Review status: criteria provided, single submitter. Criteria: ACMG Guidelines, 2015. Collection method: clinical testing. Allele origin: germline. Inheritance: Autosomal recessive inheritance. Affected: yes. Observed: 1 compound heterozygote.
Comment: A heterozygous 3’splice site variation in intron 12 of the IDUA gene that affects the invariant AG acceptor splice site upstream of exon 12 was detected. The observed variant c.1728-1G>A has not been reported in the 1000 genomes and gnomAD databases. The in-silico prediction of the variant is deleterious by SpliceAI. In summary, the variant meets our criteria to be classified as pathogenic.

Labcorp Genetics (formerly Invitae), Labcorp
Classification: Pathogenic for Mucopolysaccharidosis type 1. Last evaluated: 2022-02-04. Review status: criteria provided, single submitter. Criteria: Invitae Variant Classification Sherloc (09022015). Collection method: clinical testing. Allele origin: germline.
Comment: For these reasons, this variant has been classified as Pathogenic. Algorithms developed to predict the effect of sequence changes on RNA splicing suggest that this variant may disrupt the consensus splice site. ClinVar contains an entry for this variant (Variation ID: 641594). Disruption of this splice site has been observed in individuals with mucopolysaccharhidosis (PMID: 22976768, 28752568). This variant is not present in population databases (gnomAD no frequency). This sequence change affects an acceptor splice site in intron 12 of the IDUA gene. It is expected to disrupt RNA splicing. Variants that disrupt the donor or acceptor splice site typically lead to a loss of protein function (PMID: 16199547), and loss-of-function variants in IDUA are known to be pathogenic (PMID: 11735025, 21480867).

Literature cited by the submitters: PubMed 22976768 (cited by Labcorp Genetics (formerly Invitae), Labcorp); PubMed 28752568 (cited by Labcorp Genetics (formerly Invitae), Labcorp); PubMed 16199547 (cited by Labcorp Genetics (formerly Invitae), Labcorp); PubMed 11735025 (cited by Labcorp Genetics (formerly Invitae), Labcorp); PubMed 21480867 (cited by Labcorp Genetics (formerly Invitae), Labcorp).